The following is an entry in ClinVar:

NM_024649.5(BBS1):c.*1215T>C

Genes: BBS1 (Bardet-Biedl syndrome 1; plus strand), ZDHHC24 (zDHHC palmitoyltransferase 24; minus strand). Cytogenetic location: 11q13.2.
Variant type: single nucleotide variant.
Coding change: c.*1215T>C on transcript NM_024649.5 (MANE Select); 1215 bases downstream of the stop codon, T replaced by C.
Molecular consequence: 3 prime UTR variant. On other transcripts: intron variant (1).
Genome position (GRCh38, 1-based): chr11:66,533,252, T>C. VCF-style: chr11-66533252-T-C. GRCh37 (hg19) VCF-style: chr11-66300723-T-C.
Other names: c.560-3764A>G (NM_001348571.2).
Identifiers: ClinVar variation 305485 (VCV000305485.7), dbSNP rs115354748, ClinGen allele CA10635374.

ClinVar aggregate classification (germline): Benign (1 of 4 stars; one submission).

Conditions:
Bardet-Biedl syndrome 1 (BBS1). Identifiers: MedGen C2936862, MONDO:0008854, OMIM 209900. Disease mechanism: loss of function.

Allele frequency attached by ClinVar (database versions not stated): gnomAD 0.01605 and 0.01484; 1000 Genomes Project 30x 0.01483; 1000 Genomes Project 0.01518; TOPMed 0.01775.

Submission:

Illumina Laboratory Services, Illumina
Classification: Benign for Bardet-Biedl syndrome 1. Last evaluated: 2018-01-13. Review status: criteria provided, single submitter. Criteria: ICSL Variant Classification Criteria 13 December 2019. Collection method: clinical testing. Allele origin: germline.
Comment: This variant was observed in the ICSL laboratory as part of a predisposition screen in an ostensibly healthy population. It had not been previously curated by ICSL or reported in the Human Gene Mutation Database (HGMD: prior to June 1st, 2018), and was therefore a candidate for classification through an automated scoring system. Utilizing variant allele frequency, disease prevalence and penetrance estimates, and inheritance mode, an automated score was calculated to assess if this variant is too frequent to cause the disease. Based on the score and internal cut-off values, a variant classified as benign is not then subjected to further curation. The score for this variant resulted in a classification of benign for this disease.